The following is an entry in ClinVar:

ClinVar aggregate classification (germline): Uncertain significance (1 of 4 stars; one submission).

Submission:

Labcorp Genetics (formerly Invitae), Labcorp
Classification: Uncertain significance. Last evaluated: 2025-09-23. Review status: criteria provided, single submitter. Criteria: Invitae Variant Classification Sherloc (09022015). Collection method: clinical testing. Allele origin: germline.
Comment: This sequence change replaces leucine, which is neutral and non-polar, with valine, which is neutral and non-polar, at codon 343 of the IL12RB2 protein (p.Leu343Val). This variant is not present in population databases (gnomAD no frequency). This variant has not been reported in the literature in individuals affected with IL12RB2-related conditions. An algorithm developed to predict the effect of missense changes on protein structure and function (PolyPhen-2) suggests that this variant is likely to be disruptive. In summary, the available evidence is currently insufficient to determine the role of this variant in disease. Therefore, it has been classified as a Variant of Uncertain Significance.

NM_001374259.2(IL12RB2):c.1027C>G (p.Leu343Val)

Gene: IL12RB2 (interleukin 12 receptor subunit beta 2; plus strand). Cytogenetic location: 1p31.3.
Variant type: single nucleotide variant.
Coding change: c.1027C>G on transcript NM_001374259.2 (MANE Select); coding-DNA position 1027, C replaced by G.
Protein change: p.Leu343Val; replaces leucine 343 with valine.
Molecular consequence: missense variant. On other transcripts: non-coding transcript variant (2).
Genome position (GRCh38, 1-based): chr1:67,338,692, C>G. VCF-style: chr1-67338692-C-G. GRCh37 (hg19) VCF-style: chr1-67804375-C-G.
Other names: c.1027C>G, p.Leu343Val (NM_001258214.1, NM_001258215.1, NM_001258216.1 and 2 more transcripts); short protein forms L343V.
Identifiers: ClinVar variation 4712819 (VCV004712819.1).